The following is an entry in ClinVar:

NM_000094.4(COL7A1):c.6696C>A (p.Pro2232=)

Gene: COL7A1 (collagen type VII alpha 1 chain; minus strand). Cytogenetic location: 3p21.31.
Variant type: single nucleotide variant.
Coding change: c.6696C>A on transcript NM_000094.4 (MANE Select); coding-DNA position 6696, C replaced by A.
Protein change: p.Pro2232=; no amino-acid change (proline 2232 retained).
Molecular consequence: synonymous variant.
Genome position (GRCh38, 1-based): chr3:48,573,192, G>T on the plus strand (C>A on the coding strand, the complement: COL7A1 is on the minus strand). VCF-style: chr3-48573192-G-T. GRCh37 (hg19) VCF-style: chr3-48610625-G-T.
Identifiers: ClinVar variation 255113 (VCV000255113.18), dbSNP rs61729223, ClinGen allele CA2378890.
Genomic context (GRCh38, chr3:48,573,192, plus strand): 5'-GAAAACACGGTGTCCCTACAGGGGCCACAGGGACTCACTCACCACAAGGCCTGAAGGGCC[G>T]GGGGGTCCAGGAAGTCCCACAGCTCCAGTAGGTCCAGTCAGGCCCTGGAGGAAGAGAAAG-3'
Protein context (NP_000085.1, residues 2222-2242): PTGAVGLPGP[Pro2232=]GPSGLVGPQG

ClinVar aggregate classification (germline): Benign/Likely benign. Review status: criteria provided, multiple submitters, no conflicts (2 of 4 stars). 8 submissions from 8 submitters: Benign (3); Likely benign (2). 3 of the submissions do not count toward it. Last evaluated 2026-02-04.

Conditions:
Epidermolysis bullosa dystrophica. Also called: Dystrophic epidermolysis bullosa, Hallopeau-Siemens type (formerly); Dystrophic epidermolysis bullosa. Identifiers: Orphanet 303, MedGen C0079294, MONDO:0006543.

Allele frequency attached by ClinVar (database versions not stated): 1000 Genomes Project 0.00539; 1000 Genomes Project 30x 0.00671; gnomAD 0.01181 and 0.01197; TOPMed 0.01195; ESP Exome Variant Server 0.01407.
gnomAD v4.1: 28,718 of 1,614,014 alleles (1.8%); highest among the groups gnomAD compares: Non-Finnish European, 2.1%; 295 homozygotes.

Submissions (8):

Labcorp Genetics (formerly Invitae), Labcorp
Classification: Benign. Last evaluated: 2026-02-04. Review status: criteria provided, single submitter. Criteria: Invitae Variant Classification Sherloc (09022015). Collection method: clinical testing. Allele origin: germline.

Illumina Laboratory Services, Illumina
Classification: Benign for Dystrophic epidermolysis bullosa. Last evaluated: 2018-01-13. Review status: criteria provided, single submitter. Criteria: ICSL Variant Classification Criteria 13 December 2019. Collection method: clinical testing. Allele origin: germline.
Comment: This variant was observed in the ICSL laboratory as part of a predisposition screen in an ostensibly healthy population. It had not been previously curated by ICSL or reported in the Human Gene Mutation Database (HGMD: prior to June 1st, 2018), and was therefore a candidate for classification through an automated scoring system. Utilizing variant allele frequency, disease prevalence and penetrance estimates, and inheritance mode, an automated score was calculated to assess if this variant is too frequent to cause the disease. Based on the score and internal cut-off values, a variant classified as benign is not then subjected to further curation. The score for this variant resulted in a classification of benign for this disease.

GeneDx
Classification: Benign. Last evaluated: 2015-09-11. Review status: criteria provided, single submitter. Criteria: GeneDx Variant Classification (06012015). Collection method: clinical testing. Allele origin: germline. Affected: yes.
Comment: This variant is considered likely benign or benign based on one or more of the following criteria: it is a conservative change, it occurs at a poorly conserved position in the protein, it is predicted to be benign by multiple in silico algorithms, and/or has population frequency not consistent with disease.

Breakthrough Genomics
Classification: Likely benign. Review status: criteria provided, single submitter. Criteria: ACMG Guidelines, 2015. Collection method: not provided. Allele origin: germline. Inheritance: Autosomal recessive inheritance. Affected: yes.

PreventionGenetics, part of Exact Sciences
Classification: Likely benign. Review status: criteria provided, single submitter. Criteria: ACMG Guidelines, 2015. Collection method: clinical testing. Allele origin: germline.

Natera, Inc.
Classification: Uncertain significance for Dystrophic epidermolysis bullosa. Last evaluated: 2020-01-17. Review status: no assertion criteria provided. Collection method: clinical testing. Allele origin: germline. Not counted in ClinVar's aggregate classification.

Genome Diagnostics Laboratory, Amsterdam University Medical Center
Classification: Benign. Review status: no assertion criteria provided. Collection method: clinical testing. Allele origin: germline. Affected: yes. Study: VKGL Data-share Consensus. Not counted in ClinVar's aggregate classification.

Joint Genome Diagnostic Labs from Nijmegen and Maastricht, Radboudumc and MUMC+
Classification: Benign. Review status: no assertion criteria provided. Collection method: clinical testing. Allele origin: germline. Affected: yes. Study: VKGL Data-share Consensus. Not counted in ClinVar's aggregate classification.